The following is an entry in ClinVar:

ClinVar aggregate classification (germline): Benign. Review status: criteria provided, multiple submitters, no conflicts (2 of 4 stars). 6 submissions from 6 submitters: Benign (6). Last evaluated 2026-02-04.

Conditions:
Charcot-Marie-Tooth disease dominant intermediate C (CMTDIC). Also called: CHARCOT-MARIE-TOOTH NEUROPATHY, DOMINANT INTERMEDIATE C. Identifiers: Orphanet 100045, MedGen C1842237, MONDO:0012012, OMIM 608323.

Allele frequency attached by ClinVar (database versions not stated): 1000 Genomes Project 0.08746; 1000 Genomes Project 30x 0.09369; ExAC 0.09819; ESP Exome Variant Server 0.09880; gnomAD exomes 0.10364; gnomAD 0.10382 and 0.10610; TOPMed 0.10543.
gnomAD v4.1: 158,153 of 1,614,056 alleles (9.8%); highest among the groups gnomAD compares: Admixed American, 20%; 8,652 homozygotes.

Submissions (6):

Labcorp Genetics (formerly Invitae), Labcorp
Classification: Benign for Charcot-Marie-Tooth disease dominant intermediate C. Last evaluated: 2026-02-04. Review status: criteria provided, single submitter. Criteria: Invitae Variant Classification Sherloc (09022015). Collection method: clinical testing. Allele origin: germline.

Athena Diagnostics
Classification: Benign. Last evaluated: 2021-06-04. Review status: criteria provided, single submitter. Criteria: Athena Diagnostics criteria. Collection method: clinical testing. Allele origin: unknown.

Illumina Laboratory Services, Illumina
Classification: Benign for Charcot-Marie-Tooth disease dominant intermediate C. Last evaluated: 2018-01-12. Review status: criteria provided, single submitter. Criteria: ICSL Variant Classification Criteria 13 December 2019. Collection method: clinical testing. Allele origin: germline.
Comment: This variant was observed in the ICSL laboratory as part of a predisposition screen in an ostensibly healthy population. It had not been previously curated by ICSL or reported in the Human Gene Mutation Database (HGMD: prior to June 1st, 2018), and was therefore a candidate for classification through an automated scoring system. Utilizing variant allele frequency, disease prevalence and penetrance estimates, and inheritance mode, an automated score was calculated to assess if this variant is too frequent to cause the disease. Based on the score and internal cut-off values, a variant classified as benign is not then subjected to further curation. The score for this variant resulted in a classification of benign for this disease.

Mayo Clinic Laboratories, Mayo Clinic
Classification: Benign. Last evaluated: 2016-03-01. Review status: criteria provided, single submitter. Criteria: ACMG Guidelines, 2015. Collection method: clinical testing. Allele origin: germline. Observed: 400 variant alleles.

GeneDx
Classification: Benign. Last evaluated: 2015-12-23. Review status: criteria provided, single submitter. Criteria: GeneDx Variant Classification (06012015). Collection method: clinical testing. Allele origin: germline. Affected: yes.
Comment: This variant is considered likely benign or benign based on one or more of the following criteria: it is a conservative change, it occurs at a poorly conserved position in the protein, it is predicted to be benign by multiple in silico algorithms, and/or has population frequency not consistent with disease.

Breakthrough Genomics
Classification: Benign. Review status: criteria provided, single submitter. Criteria: ACMG Guidelines, 2015. Collection method: not provided. Allele origin: germline. Inheritance: Autosomal recessive inheritance. Affected: yes.

NM_003680.4(YARS1):c.1218G>C (p.Leu406=)

Gene: YARS1 (tyrosyl-tRNA synthetase 1; minus strand). Cytogenetic location: 1p35.1.
Variant type: single nucleotide variant.
Coding change: c.1218G>C on transcript NM_003680.4 (MANE Select); coding-DNA position 1218, G replaced by C.
Protein change: p.Leu406=; no amino-acid change (leucine 406 retained).
Molecular consequence: synonymous variant.
Genome position (GRCh38, 1-based): chr1:32,780,201, C>G on the plus strand (G>C on the coding strand, the complement: YARS1 is on the minus strand). VCF-style: chr1-32780201-C-G. GRCh37 (hg19) VCF-style: chr1-33245802-C-G.
Other names: p.Leu406=.
Identifiers: ClinVar variation 297151 (VCV000297151.18), dbSNP rs699005, ClinGen allele CA744952.